The following is an entry in ClinVar:

ClinVar aggregate classification (germline): Uncertain significance (1 of 4 stars; one submission).

Conditions:
Primary ciliary dyskinesia. Also called: Ciliary dyskinesia. Identifiers: Orphanet 244, MedGen C0008780, MONDO:0016575, HP:0012265.

gnomAD v4.1: 36 of 1,255,364 alleles (0.0029%); highest among the groups gnomAD compares: South Asian, 0.1%; 1 homozygote.

Submission:

Ambry Genetics
Classification: Uncertain significance for Primary ciliary dyskinesia. Last evaluated: 2024-08-07. Review status: criteria provided, single submitter. Criteria: Ambry Variant Classification Scheme 2023. Collection method: clinical testing. Allele origin: germline.
Comment: The p.A442S variant (also known as c.1324G>T), located in coding exon 10 of the SPAG1 gene, results from a G to T substitution at nucleotide position 1324. The alanine at codon 442 is replaced by serine, an amino acid with similar properties. This amino acid position is conserved. In addition, this alteration is predicted to be tolerated by in silico analysis. Based on the available evidence, the clinical significance of this variant remains unclear.

NM_003114.5(SPAG1):c.1324G>T (p.Ala442Ser)

Genes: SPAG1 (sperm associated antigen 1; plus strand), LOC130000832 (ATAC-STARR-seq lymphoblastoid silent region 19412; plus strand). Cytogenetic location: 8q22.2.
Variant type: single nucleotide variant.
Coding change: c.1324G>T on transcript NM_003114.5 (MANE Select); coding-DNA position 1324, G replaced by T.
Protein change: p.Ala442Ser; replaces alanine 442 with serine.
Molecular consequence: missense variant.
Genome position (GRCh38, 1-based): chr8:100,213,317, G>T. VCF-style: chr8-100213317-G-T. GRCh37 (hg19) VCF-style: chr8-101225545-G-T.
Other names: c.1324G>T, p.Ala442Ser (NM_001374321.1, NM_172218.3); short protein forms A442S.
Identifiers: ClinVar variation 3447675 (VCV003447675.1).
Genomic context (GRCh38, chr8:100,213,317, plus strand): 5'-GCCTCTGCGGCGGCGGCGGCGGGCGGCGGCGCCACCGGGCATCCGGGCGGCGGGCAGGGC[G>T]CGGAGAACCCTGCCGGCCTGAAGAGCCAGGGCAACGAGCTGTTCCGAAGCGGGCAGTTCG-3'
Protein context (NP_003105.2, residues 432-452): ATGHPGGGQG[Ala442Ser]ENPAGLKSQG